The following is an entry in ClinVar:

NM_000059.4(BRCA2):c.5554G>C (p.Val1852Leu)

Gene: BRCA2 (BRCA2 DNA repair associated; plus strand). Cytogenetic location: 13q13.1.
Variant type: single nucleotide variant.
Coding change: c.5554G>C on transcript NM_000059.4 (MANE Select); coding-DNA position 5554, G replaced by C.
Protein change: p.Val1852Leu; replaces valine 1852 with leucine.
Molecular consequence: missense variant. On other transcripts: non-coding transcript variant (1), intron variant (2).
Genome position (GRCh38, 1-based): chr13:32,339,909, G>C. VCF-style: chr13-32339909-G-C. GRCh37 (hg19) VCF-style: chr13-32914046-G-C.
Other names: c.5554G>C, p.Val1852Leu (NM_001406719.1, NM_001406720.1); c.1910-4649G>C (NM_001406721.1); c.425-4649G>C (NM_001406722.1); short protein forms V1852L.
Identifiers: ClinVar variation 2860236 (VCV002860236.4), dbSNP rs80358777, ClinGen allele CA387785962.

ClinVar aggregate classification (germline): Uncertain significance. Review status: criteria provided, multiple submitters, no conflicts (2 of 4 stars). 2 submissions from 2 submitters: Uncertain significance (2). Last evaluated 2024-12-17.

Conditions:
Hereditary breast ovarian cancer syndrome. Also called: Hereditary breast and ovarian cancer syndrome (HBOC); Hereditary breast and ovarian cancer syndrome; Hereditary breast and/or ovarian cancer syndrome; Hereditary breast and ovarian cancer; Breast and ovarian cancer; BRCA1- and BRCA2-Associated Hereditary Breast and Ovarian Cancer. Identifiers: Orphanet 145, MedGen C0677776, MeSH D061325, MONDO:0003582. Disease mechanism: loss of function.
Hereditary cancer-predisposing syndrome. Also called: Neoplastic Syndromes, Hereditary; Hereditary neoplastic syndrome; Tumor predisposition; Hereditary Cancer Syndrome. Identifiers: Orphanet 140162, MedGen C0027672, MeSH D009386, MONDO:0015356.

gnomAD v4.1: 1 of 1,608,564 alleles (0.000062%); highest among the groups gnomAD compares: South Asian, 0.0011%; no homozygotes.

Submissions (2):

Color Diagnostics, LLC DBA Color Health
Classification: Uncertain significance for Hereditary cancer-predisposing syndrome. Last evaluated: 2024-12-17. Review status: criteria provided, single submitter. Criteria: ACMG Guidelines, 2015. Collection method: clinical testing. Allele origin: germline.
Comment: This missense variant replaces valine with leucine at codon 1852 of the BRCA2 protein. Computational prediction suggests that this variant may not impact protein structure and function. To our knowledge, functional studies have not been reported for this variant. This variant has not been reported in individuals affected with BRCA2-related disorders in the literature. This variant has been identified in 1/247780 chromosomes in the general population by the Genome Aggregation Database (gnomAD). The available evidence is insufficient to determine the role of this variant in disease conclusively. Therefore, this variant is classified as a Variant of Uncertain Significance.

Labcorp Genetics (formerly Invitae), Labcorp
Classification: Uncertain significance for Hereditary breast ovarian cancer syndrome. Last evaluated: 2023-08-01. Review status: criteria provided, single submitter. Criteria: Invitae Variant Classification Sherloc (09022015). Collection method: clinical testing. Allele origin: germline.
Comment: This sequence change replaces valine, which is neutral and non-polar, with leucine, which is neutral and non-polar, at codon 1852 of the BRCA2 protein (p.Val1852Leu). This variant is present in population databases (no rsID available, gnomAD 0.003%). This variant has not been reported in the literature in individuals affected with BRCA2-related conditions. Advanced modeling of protein sequence and biophysical properties (such as structural, functional, and spatial information, amino acid conservation, physicochemical variation, residue mobility, and thermodynamic stability) performed at Invitae indicates that this missense variant is not expected to disrupt BRCA2 protein function. In summary, the available evidence is currently insufficient to determine the role of this variant in disease. Therefore, it has been classified as a Variant of Uncertain Significance.